The following is an entry in ClinVar:

NM_020754.4(ARHGAP31):c.4222A>T (p.Lys1408Ter)

Gene: ARHGAP31 (Rho GTPase activating protein 31; plus strand). Cytogenetic location: 3q13.33.
Variant type: single nucleotide variant.
Coding change: c.4222A>T on transcript NM_020754.4 (MANE Select); coding-DNA position 4222, A replaced by T.
Protein change: p.Lys1408Ter; replaces lysine 1408 with a stop codon.
Molecular consequence: nonsense.
Genome position (GRCh38, 1-based): chr3:119,416,151, A>T. VCF-style: chr3-119416151-A-T. GRCh37 (hg19) VCF-style: chr3-119134998-A-T.
Other names: short protein forms K1408*.
Identifiers: ClinVar variation 2581583 (VCV002581583.1), dbSNP rs376338160, ClinGen allele CA2554316.

ClinVar aggregate classification (germline): Uncertain significance (1 of 4 stars; one submission).

Allele frequency attached by ClinVar (database versions not stated): ExAC 0.00001; gnomAD 0.00001; gnomAD exomes 0.00002; ESP Exome Variant Server 0.00008.
gnomAD v4.1: 13 of 1,614,100 alleles (0.00081%); highest among the groups gnomAD compares: Non-Finnish European, 0.0011%; no homozygotes.

Submission:

Women's Health and Genetics/Laboratory Corporation of America, LabCorp
Classification: Uncertain significance. Last evaluated: 2023-08-08. Review status: criteria provided, single submitter. Criteria: LabCorp Variant Classification Summary - May 2015. Collection method: clinical testing. Allele origin: germline.
Comment: Variant summary: ARHGAP31 c.4222A>T (p.Lys1408X) results in a premature termination codon, predicted to cause a truncation of the encoded protein, however the molecular mechanism of disease attributed to ARHGAP31 is gain-of-function. The variant allele was found at a frequency of 1.2e-05 in 249352 control chromosomes (gnomAD). The available data on variant occurrences in the general population are insufficient to allow any conclusion about variant significance. c.4222A>T has been reported in the literature in related individuals affected with bicuspid aortic valve and dilation of the ascending aorta (Preuss_2016). This report does not provide unequivocal conclusions about association of the variant with Adams-Oliver Syndrome 1. To our knowledge, no experimental evidence demonstrating an impact on protein function has been reported. The following publication has been ascertained in the context of this evaluation (PMID: 27760138). No submitters have cited clinical-significance assessments for this variant to ClinVar after 2014. Based on the evidence outlined above, the variant was classified as uncertain significance.

Literature cited by the submitters: PubMed 27760138.